The following is an entry in ClinVar:

NM_003072.5(SMARCA4):c.4447G>T (p.Glu1483Ter)

Gene: SMARCA4 (SWI/SNF related BAF chromatin remodeling complex subunit ATPase 4; plus strand). Cytogenetic location: 19p13.2.
Variant type: single nucleotide variant.
Coding change: c.4447G>T on transcript NM_003072.5 (MANE Select); coding-DNA position 4447, G replaced by T.
Protein change: p.Glu1483Ter; replaces glutamic acid 1483 with a stop codon.
Molecular consequence: nonsense. On other transcripts: non-coding transcript variant (1).
Genome position (GRCh38, 1-based): chr19:11,058,277, G>T. VCF-style: chr19-11058277-G-T. GRCh37 (hg19) VCF-style: chr19-11168953-G-T.
Other names: c.4447G>T, p.Glu1483Ter (NM_001128844.3); c.4357G>T, p.Glu1453Ter (NM_001128845.2); c.4354G>T, p.Glu1452Ter (NM_001128846.2); c.4348G>T, p.Glu1450Ter (NM_001128847.4, NM_001374457.1); c.4345G>T, p.Glu1449Ter (NM_001128848.2); c.4543G>T, p.Glu1515Ter (NM_001128849.3, NM_001387283.1); c.4444G>T, p.Glu1482Ter (NM_001411150.1); short protein forms E1449*, E1453*, E1515*, E1452*, E1483*, E1450*, E1482*.
Identifiers: ClinVar variation 4723424 (VCV004723424.1).

ClinVar aggregate classification (germline): Pathogenic (1 of 4 stars; one submission).

Conditions:
Rhabdoid tumor predisposition syndrome 2 (RTPS2). Identifiers: Orphanet 231108, Orphanet 69077, MedGen C2750074, MONDO:0013224, OMIM 613325.

Submission:

Labcorp Genetics (formerly Invitae), Labcorp
Classification: Pathogenic for Rhabdoid tumor predisposition syndrome 2. Last evaluated: 2025-07-18. Review status: criteria provided, single submitter. Criteria: Invitae Variant Classification Sherloc (09022015). Collection method: clinical testing. Allele origin: germline.
Comment: This sequence change creates a premature translational stop signal (p.Glu1515*) in the SMARCA4 gene. It is expected to result in an absent or disrupted protein product. Loss-of-function variants in SMARCA4 are known to be pathogenic (PMID: 24658001, 24658002). This variant is not present in population databases (gnomAD no frequency). This variant has not been reported in the literature in individuals affected with SMARCA4-related conditions. For these reasons, this variant has been classified as Pathogenic.

Literature cited by the submitters: PubMed 24658001; PubMed 24658002.